The following is an entry in ClinVar:

ClinVar aggregate classification (germline): Uncertain significance (1 of 4 stars; one submission).

Submission:

GeneDx
Classification: Uncertain significance. Last evaluated: 2025-06-24. Review status: criteria provided, single submitter. Criteria: GeneDx Variant Classification Process June 2021. Collection method: clinical testing. Allele origin: germline.
Comment: Not observed at significant frequency in large population cohorts (gnomAD); In silico analysis suggests that this missense variant does not alter protein structure/function; Has not been previously published as pathogenic or benign to our knowledge

NM_014633.5(CTR9):c.2899G>A (p.Glu967Lys)

Gene: CTR9 (CTR9 component of Paf1/RNA polymerase II complex; plus strand). Cytogenetic location: 11p15.4.
Variant type: single nucleotide variant.
Coding change: c.2899G>A on transcript NM_014633.5 (MANE Select); coding-DNA position 2899, G replaced by A.
Protein change: p.Glu967Lys; replaces glutamic acid 967 with lysine.
Molecular consequence: missense variant.
Genome position (GRCh38, 1-based): chr11:10,775,220, G>A. VCF-style: chr11-10775220-G-A. GRCh37 (hg19) VCF-style: chr11-10796767-G-A.
Other names: c.2827G>A, p.Glu943Lys (NM_001346279.2); short protein forms E943K, E967K.
Identifiers: ClinVar variation 3253001 (VCV003253001.2), dbSNP rs2135385159.